The following is an entry in ClinVar:

NM_000394.4(CRYAA):c.347G>A (p.Arg116His)

Gene: CRYAA (crystallin alpha A; plus strand). Cytogenetic location: 21q22.3.
Variant type: single nucleotide variant.
Coding change: c.347G>A on transcript NM_000394.4 (MANE Select); coding-DNA position 347, G replaced by A.
Protein change: p.Arg116His; replaces arginine 116 with histidine.
Molecular consequence: missense variant.
Genome position (GRCh38, 1-based): chr21:43,172,105, G>A. VCF-style: chr21-43172105-G-A. GRCh37 (hg19) VCF-style: chr21-44592215-G-A.
Other names: c.236G>A, p.Arg79His (NM_001363766.1); short protein forms R116H, R79H.
Identifiers: ClinVar variation 16960 (VCV000016960.21), dbSNP rs121912973, ClinGen allele CA127002.

ClinVar aggregate classification (germline): Pathogenic. Review status: criteria provided, multiple submitters, no conflicts (2 of 4 stars). 9 submissions from 8 submitters: Pathogenic (7). 2 of the submissions do not count toward it. Last evaluated 2026-04-01.

Conditions:
CRYAA-related disorder. Also called: CRYAA-related condition.
Cataract 9, multiple types, with microcornea. Identifiers: MedGen C4015986.
Cataract 9 multiple types. Also called: Cataract 9, multiple types, with or without microcornea; Cataract, autosomal recessive congenital 1. Identifiers: Orphanet 1377, MedGen C1858679, MONDO:0011413, OMIM 604219.

Submissions (9):

Molecular Medicine, University of Pavia
Classification: Pathogenic for Cataract 9 multiple types. Last evaluated: 2026-04-01. Review status: criteria provided, single submitter. Criteria: ACMG Guidelines, 2015. Collection method: research. Allele origin: inherited. Affected: yes. Observed: 3 variant alleles.
Comment: The NM_000394.4:c.347G>A, is a missense variant in CRYAA that substitutes the Arginine 116 into a Histidine. This variant is absent from GnomAD 4.1.0 database and it has been previously reported 5 times in ClinVar (VCV000016960.16) and in 45 publications. In summary, this variant meets criteria to be classified as pathogenic based on the ACMG/AMP criteria applied: PS4, PS3_supp, PM2_supp, PM5, PP3, PP1

3billion
Classification: Pathogenic for Cataract 9 multiple types. Last evaluated: 2025-09-04. Review status: criteria provided, single submitter. Criteria: ACMG Guidelines, 2015. Collection method: clinical testing. Allele origin: germline. Affected: yes.
Comment: The variant is not observed in the gnomAD v4.1.0 dataset. Predicted Consequence/Location: Missense variant. Missense changes are a common disease-causing mechanism. In silico tool predictions suggest damaging effect of the variant on gene or gene product [REVEL: 0.96 (>=0.6, sensitivity 0.68 and specificity 0.92); 3Cnet: 0.97 (> 0.75, sensitivity 0.96 and precision 0.92)]. The same nucleotide change resulting in the same amino acid change has been previously reported as pathogenic/likely pathogenic with strong evidence (ClinVar ID: VCV000016960 /PMID: 17724170). Different missense changes at the same codon (p.Arg116Cys, p.Arg116Gly, p.Arg116Leu, p.Arg116Ser) have been reported as pathogenic/likely pathogenic with strong evidence (ClinVar ID: VCV000016957, VCV000521018, VCV003731277 /PMID: 33494148, 9467006). Therefore, this variant is classified as Pathogenic according to the recommendation of ACMG/AMP guideline.

PreventionGenetics, part of Exact Sciences
Classification: Pathogenic for CRYAA-related condition. Last evaluated: 2025-03-12. Review status: criteria provided, single submitter. Criteria: ACMG Guidelines, 2015. Collection method: clinical testing. Allele origin: germline.
Comment: The CRYAA c.347G>A variant is predicted to result in the amino acid substitution p.Arg116His. This variant has been reported to co-segregate with disease in multiple individuals from a large family with cataracts (Figure 1, Hansen et al. 2007. PubMed ID: 17724170). This variant has not been reported in a large population database, indicating it is rare (gnomAD). In vitro experimental studies suggest this variant decreases chaperone activity and leads to intracellular aggregation (Figure 9, Kore et al. 2011. PubMed ID: 22045060; Figure 1, Raju et al. 2011. PubMed ID: 22140512). A different missense change affecting the same amino acid (p.Arg116Cys) has been reported to co-segregate with disease in multiple families with cataracts (Figure 1, Litt et al. 1998. PubMed ID: 9467006; Figure 1, Vanita et al. 2006. PubMed ID: 16735993; Figure 2, Beby et al. 2007. PubMed ID: 17296897). Given the evidence, the c.347G>A (p.Arg116His) variant is interpreted as pathogenic.

GeneDx
Classification: Pathogenic. Last evaluated: 2022-12-01. Review status: criteria provided, single submitter. Criteria: GeneDx Variant Classification Process June 2021. Collection method: clinical testing. Allele origin: germline. Affected: yes.
Comment: Published functional studies demonstrate a damaging effect with loss of chaperone activity (Gu et al., 2008; Kore et al., 2012); Not observed in large population cohorts (gnomAD); This variant is associated with the following publications: (PMID: 31628766, 34169787, 22140512, 20079887, 18302245, 17724170, 22045060, 30078984, 18407550, 22216983)

Labcorp Genetics (formerly Invitae), Labcorp
Classification: Pathogenic for Cataract 9 multiple types. Last evaluated: 2022-07-06. Review status: criteria provided, single submitter. Criteria: Invitae Variant Classification Sherloc (09022015). Collection method: clinical testing. Allele origin: germline.
Comment: For these reasons, this variant has been classified as Pathogenic. This variant disrupts the p.Arg116 amino acid residue in CRYAA. Other variant(s) that disrupt this residue have been determined to be pathogenic (PMID: 9467006, 10684623, 11123904, 16735993, 17296897, 18085469, 22045060). This suggests that this residue is clinically significant, and that variants that disrupt this residue are likely to be disease-causing. Experimental studies have shown that this missense change affects CRYAA function (PMID: 20079887, 22045060, 22140512). Advanced modeling of protein sequence and biophysical properties (such as structural, functional, and spatial information, amino acid conservation, physicochemical variation, residue mobility, and thermodynamic stability) performed at Invitae indicates that this missense variant is expected to disrupt CRYAA protein function. ClinVar contains an entry for this variant (Variation ID: 16960). This missense change has been observed in individual(s) with autosomal dominant congenital cataract (PMID: 17724170, 18302245, 22216983). It has also been observed to segregate with disease in related individuals. This variant is not present in population databases (gnomAD no frequency). This sequence change replaces arginine, which is basic and polar, with histidine, which is basic and polar, at codon 116 of the CRYAA protein (p.Arg116His).

Blueprint Genetics
Classification: Pathogenic for CRYAA-related disorders. Last evaluated: 2021-02-03. Review status: criteria provided, single submitter. Criteria: ACMG Guidelines, 2015. Collection method: clinical testing. Allele origin: germline. Affected: yes. Observed: 1 variant allele.

Juno Genomics, Hangzhou Juno Genomics, Inc
Classification: Pathogenic for Cataract 9 multiple types. Review status: criteria provided, single submitter. Criteria: ACMG Guidelines, 2015. Collection method: clinical testing. Allele origin: germline. Affected: yes.
Comment: Absent from controls (or at extremely low frequency if recessive) in Genome Aggregation Database.;Well-established in vitro or in vivo functional studies supportive of a damaging effect on the gene or gene product.;The prevalence of the variant in affected individuals is significantly increased compared to the prevalence in controls.;Co-segregation with disease in multiple affected family members.;Novel missense change at an amino acid residue where a different missense change determined to be pathogenic has been seen before.

OMIM
Classification: Pathogenic for CATARACT 9, MULTIPLE TYPES, WITH MICROCORNEA. Last evaluated: 2008-04-01. Review status: no assertion criteria provided. Collection method: literature only. Allele origin: germline. Not counted in ClinVar's aggregate classification.

OMIM
Classification: Pathogenic for CATARACT 9, NUCLEAR, WITH MICROCORNEA. Last evaluated: 2007-09-01. Review status: no assertion criteria provided. Collection method: literature only. Allele origin: germline. Not counted in ClinVar's aggregate classification.

Literature cited by the submitters: PubMed 33494148 (cited by 3billion); PubMed 17724170 (cited by 3 submitters); PubMed 9467006 (cited by Labcorp Genetics (formerly Invitae), Labcorp); PubMed 10684623 (cited by Labcorp Genetics (formerly Invitae), Labcorp); PubMed 11123904 (cited by Labcorp Genetics (formerly Invitae), Labcorp); PubMed 16735993 (cited by Labcorp Genetics (formerly Invitae), Labcorp); PubMed 17296897 (cited by Labcorp Genetics (formerly Invitae), Labcorp); PubMed 18085469 (cited by Labcorp Genetics (formerly Invitae), Labcorp); PubMed 22045060 (cited by Labcorp Genetics (formerly Invitae), Labcorp); PubMed 20079887 (cited by Labcorp Genetics (formerly Invitae), Labcorp); PubMed 22140512 (cited by Labcorp Genetics (formerly Invitae), Labcorp); PubMed 18302245 (cited by Labcorp Genetics (formerly Invitae), Labcorp and OMIM); PubMed 22216983 (cited by Labcorp Genetics (formerly Invitae), Labcorp); PubMed 16564818 (cited by OMIM).